The following is an entry in ClinVar:

ClinVar aggregate classification (germline): Conflicting classifications of pathogenicity. Review status: criteria provided, conflicting classifications (1 of 4 stars). 4 submissions from 4 submitters: Uncertain significance (1); Likely benign (3). Last evaluated 2025-11-28.

Conditions:
Congenital stationary night blindness 1C. Also called: Night blindness, congenital stationary (complete), 1C, autosomal recessive. Identifiers: Orphanet 215, MedGen C2750747, MONDO:0013183, OMIM 613216.
TRPM1-related disorder. Also called: TRPM1-related condition.

Allele frequency attached by ClinVar (database versions not stated): ESP Exome Variant Server 0.00008; 1000 Genomes Project 30x 0.00016; gnomAD 0.00017; TOPMed 0.00017; 1000 Genomes Project 0.00020.
gnomAD v4.1: 53 of 1,613,936 alleles (0.0033%); highest among the groups gnomAD compares: African/African-American, 0.067%; no homozygotes.

Submissions (4):

Labcorp Genetics (formerly Invitae), Labcorp
Classification: Likely benign. Last evaluated: 2025-11-28. Review status: criteria provided, single submitter. Criteria: Invitae Variant Classification Sherloc (09022015). Collection method: clinical testing. Allele origin: germline.

PreventionGenetics, part of Exact Sciences
Classification: Likely benign for TRPM1-related condition. Last evaluated: 2024-12-12. Review status: criteria provided, single submitter. Criteria: ACMG Guidelines, 2015. Collection method: clinical testing. Allele origin: germline.
Comment: This variant is classified as likely benign based on ACMG/AMP sequence variant interpretation guidelines (Richards et al. 2015 PMID: 25741868, with internal and published modifications).

Blueprint Genetics
Classification: Likely benign. Last evaluated: 2022-04-12. Review status: criteria provided, single submitter. Criteria: ACMG Guidelines, 2015. Collection method: clinical testing. Allele origin: germline.

Illumina Laboratory Services, Illumina
Classification: Uncertain significance for Congenital stationary night blindness 1C. Last evaluated: 2018-01-12. Review status: criteria provided, single submitter. Criteria: ICSL Variant Classification Criteria 13 December 2019. Collection method: clinical testing. Allele origin: germline.

NM_001252024.2(TRPM1):c.1602G>A (p.Leu534=)

Gene: TRPM1 (transient receptor potential cation channel subfamily M member 1; minus strand). Cytogenetic location: 15q13.3.
Variant type: single nucleotide variant.
Coding change: c.1602G>A on transcript NM_001252024.2 (MANE Select); coding-DNA position 1602, G replaced by A.
Protein change: p.Leu534=; no amino-acid change (leucine 534 retained).
Molecular consequence: synonymous variant.
Genome position (GRCh38, 1-based): chr15:31,047,910, C>T on the plus strand (G>A on the coding strand, the complement: TRPM1 is on the minus strand). VCF-style: chr15-31047910-C-T. GRCh37 (hg19) VCF-style: chr15-31340113-C-T.
Other names: c.1653G>A, p.Leu551= (NM_001252020.2); c.1536G>A, p.Leu512= (NM_002420.6); c.1653G>A (NM_001252020.1).
Identifiers: ClinVar variation 315523 (VCV000315523.17), dbSNP rs368601558, ClinGen allele CA7452513.